The following is an entry in ClinVar:

NM_001001563.5(TIMM50):c.665C>T (p.Ala222Val)

Gene: TIMM50 (translocase of inner mitochondrial membrane 50; plus strand). Cytogenetic location: 19q13.2.
Variant type: single nucleotide variant.
Coding change: c.665C>T on transcript NM_001001563.5 (MANE Select); coding-DNA position 665, C replaced by T.
Protein change: p.Ala222Val; replaces alanine 222 with valine.
Molecular consequence: missense variant.
Genome position (GRCh38, 1-based): chr19:39,486,464, C>T. VCF-style: chr19-39486464-C-T. GRCh37 (hg19) VCF-style: chr19-39977104-C-T.
Other names: c.326C>T, p.Ala109Val (NM_001329559.2); short protein forms A109V, A222V.
Identifiers: ClinVar variation 4702079 (VCV004702079.1).

ClinVar aggregate classification (germline): Uncertain significance (1 of 4 stars; one submission).

gnomAD v4.1: 6 of 1,614,146 alleles (0.00037%); highest among the groups gnomAD compares: African/African-American, 0.0013%; no homozygotes.

Submission:

Labcorp Genetics (formerly Invitae), Labcorp
Classification: Uncertain significance. Last evaluated: 2025-11-19. Review status: criteria provided, single submitter. Criteria: Invitae Variant Classification Sherloc (09022015). Collection method: clinical testing. Allele origin: germline.
Comment: This sequence change replaces alanine, which is neutral and non-polar, with valine, which is neutral and non-polar, at codon 325 of the TIMM50 protein (p.Ala325Val). This variant is not present in population databases (gnomAD no frequency). This variant has not been reported in the literature in individuals affected with TIMM50-related conditions. An algorithm developed to predict the effect of missense changes on protein structure and function (PolyPhen-2) suggests that this variant is likely to be disruptive. In summary, the available evidence is currently insufficient to determine the role of this variant in disease. Therefore, it has been classified as a Variant of Uncertain Significance.